The following is an entry in ClinVar:

ClinVar aggregate classification (germline): Uncertain significance. Review status: criteria provided, multiple submitters, no conflicts (2 of 4 stars). 2 submissions from 2 submitters: Uncertain significance (2). Last evaluated 2025-07-05.

Conditions:
Hereditary cancer-predisposing syndrome. Also called: Hereditary Cancer Syndrome; Neoplastic Syndromes, Hereditary; Tumor predisposition; Hereditary neoplastic syndrome. Identifiers: Orphanet 140162, MedGen C0027672, MeSH D009386, MONDO:0015356.

Submissions (2):

Ambry Genetics
Classification: Uncertain significance for Hereditary cancer-predisposing syndrome. Last evaluated: 2025-07-05. Review status: criteria provided, single submitter. Criteria: Ambry Variant Classification Scheme 2023. Collection method: clinical testing. Allele origin: germline.
Comment: The p.L513I variant (also known as c.1537T>A), located in coding exon 6 of the BARD1 gene, results from a T to A substitution at nucleotide position 1537. The leucine at codon 513 is replaced by isoleucine, an amino acid with highly similar properties. This amino acid position is highly conserved in available vertebrate species. In addition, the in silico prediction for this alteration is inconclusive. Since supporting evidence is limited at this time, the clinical significance of this alteration remains unclear.

Color Diagnostics, LLC DBA Color Health
Classification: Uncertain significance for Hereditary cancer-predisposing syndrome. Last evaluated: 2023-12-04. Review status: criteria provided, single submitter. Criteria: ACMG Guidelines, 2015. Collection method: clinical testing. Allele origin: germline.
Comment: This missense variant replaces leucine with isoleucine at codon 513 of the BARD1 protein. Computational prediction is inconclusive regarding the impact of this variant on protein structure and function (internally defined REVEL score threshold 0.5 < inconclusive < 0.7, PMID: 27666373). To our knowledge, functional studies have not been reported for this variant. This variant has not been reported in individuals affected with BARD1-related disorders in the literature. This variant has not been identified in the general population by the Genome Aggregation Database (gnomAD). The available evidence is insufficient to determine the role of this variant in disease conclusively. Therefore, this variant is classified as a Variant of Uncertain Significance.

NM_000465.4(BARD1):c.1537T>A (p.Leu513Ile)

Gene: BARD1 (BRCA1 associated RING domain 1; minus strand). Cytogenetic location: 2q35.
Variant type: single nucleotide variant.
Coding change: c.1537T>A on transcript NM_000465.4 (MANE Select); coding-DNA position 1537, T replaced by A.
Protein change: p.Leu513Ile; replaces leucine 513 with isoleucine.
Molecular consequence: missense variant. On other transcripts: non-coding transcript variant (3), intron variant (3).
Genome position (GRCh38, 1-based): chr2:214,767,513, A>T on the plus strand (T>A on the coding strand, the complement: BARD1 is on the minus strand). VCF-style: chr2-214767513-A-T. GRCh37 (hg19) VCF-style: chr2-215632237-A-T.
Other names: c.1480T>A, p.Leu494Ile (NM_001282543.2); c.159-14958T>A (NM_001282548.2); c.216-14958T>A (NM_001282545.2); c.364+24784T>A (NM_001282549.2); short protein forms L513I, L494I.
Identifiers: ClinVar variation 490935 (VCV000490935.11), dbSNP rs1553619217, ClinGen allele CA350448196.